The following is an entry in ClinVar:

NM_033400.3(ZFHX2):c.2276G>A (p.Arg759His)

Genes: THTPA (thiamine triphosphatase; plus strand), ZFHX2 (zinc finger homeobox 2; minus strand). Cytogenetic location: 14q11.2.
Variant type: single nucleotide variant.
Coding change: c.2276G>A on transcript NM_033400.3 (MANE Select); coding-DNA position 2276, G replaced by A.
Protein change: p.Arg759His; replaces arginine 759 with histidine.
Molecular consequence: missense variant.
Genome position (GRCh38, 1-based): chr14:23,532,850, C>T on the plus strand (G>A on the coding strand, the complement: ZFHX2 is on the minus strand). VCF-style: chr14-23532850-C-T. GRCh37 (hg19) VCF-style: chr14-24002059-C-T.
Other names: short protein forms R759H.
Identifiers: ClinVar variation 4822705 (VCV004822705.4).

ClinVar aggregate classification (germline): Likely benign (1 of 4 stars; one submission).

gnomAD v4.1: 21 of 1,536,294 alleles (0.0014%); highest among the groups gnomAD compares: South Asian, 0.017%; no homozygotes.

Submission:

CeGaT Center for Human Genetics Tuebingen
Classification: Likely benign. Last evaluated: 2026-05-01. Review status: criteria provided, single submitter. Criteria: CeGaT Center For Human Genetics Tuebingen Variant Classification Criteria Version 2. Collection method: clinical testing. Allele origin: germline. Affected: yes. Observed: 2 variant alleles.
Comment: ZFHX2: BP4